The following is an entry in ClinVar:

ClinVar aggregate classification (germline): Uncertain significance (1 of 4 stars; one submission).

Conditions:
Hereditary cancer-predisposing syndrome. Also called: Neoplastic Syndromes, Hereditary; Tumor predisposition; Hereditary neoplastic syndrome; Hereditary Cancer Syndrome. Identifiers: Orphanet 140162, MedGen C0027672, MeSH D009386, MONDO:0015356.

Submission:

Ambry Genetics
Classification: Uncertain significance for Hereditary cancer-predisposing syndrome. Last evaluated: 2026-09-06. Review status: criteria provided, single submitter. Criteria: Ambry Variant Classification Scheme 2023. Collection method: clinical testing. Allele origin: germline.
Comment: The p.G374V variant (also known as c.1121G>T), located in coding exon 4 of the BARD1 gene, results from a G to T substitution at nucleotide position 1121. The glycine at codon 374 is replaced by valine, an amino acid with dissimilar properties. This amino acid position is conserved. In addition, this alteration is predicted to be tolerated by in silico analysis. Based on the available evidence, the clinical significance of this variant remains unclear.

NM_000465.4(BARD1):c.1121G>T (p.Gly374Val)

Gene: BARD1 (BRCA1 associated RING domain 1; minus strand). Cytogenetic location: 2q35.
Variant type: single nucleotide variant.
Coding change: c.1121G>T on transcript NM_000465.4 (MANE Select); coding-DNA position 1121, G replaced by T.
Protein change: p.Gly374Val; replaces glycine 374 with valine.
Molecular consequence: missense variant. On other transcripts: non-coding transcript variant (2), intron variant (3).
Genome position (GRCh38, 1-based): chr2:214,780,753, C>A on the plus strand (G>T on the coding strand, the complement: BARD1 is on the minus strand). VCF-style: chr2-214780753-C-A. GRCh37 (hg19) VCF-style: chr2-215645477-C-A.
Other names: c.1064G>T, p.Gly355Val (NM_001282543.2); c.159-28198G>T (NM_001282548.2); c.215+16308G>T (NM_001282545.2); c.364+11544G>T (NM_001282549.2); short protein forms G374V, G355V.
Identifiers: ClinVar variation 5032821 (VCV005032821.1).